The following is an entry in ClinVar:

ClinVar aggregate classification (germline): Uncertain significance (1 of 4 stars; one submission).

gnomAD v4.1: 1 of 1,598,480 alleles (0.000063%); highest among the groups gnomAD compares: Non-Finnish European, 0.000085%; no homozygotes.

Submission:

Labcorp Genetics (formerly Invitae), Labcorp
Classification: Uncertain significance. Last evaluated: 2025-10-04. Review status: criteria provided, single submitter. Criteria: Invitae Variant Classification Sherloc (09022015). Collection method: clinical testing. Allele origin: germline.
Comment: This sequence change replaces threonine, which is neutral and polar, with serine, which is neutral and polar, at codon 3941 of the KMT2C protein (p.Thr3941Ser). This variant is not present in population databases (gnomAD no frequency). This variant has not been reported in the literature in individuals affected with KMT2C-related conditions. An algorithm developed to predict the effect of missense changes on protein structure and function outputs the following: PolyPhen-2: "Benign". The serine amino acid residue is found in multiple mammalian species, which suggests that this missense change does not adversely affect protein function. In summary, the available evidence is currently insufficient to determine the role of this variant in disease. Therefore, it has been classified as a Variant of Uncertain Significance.

NM_170606.3(KMT2C):c.11822C>G (p.Thr3941Ser)

Gene: KMT2C (lysine methyltransferase 2C; minus strand). Cytogenetic location: 7q36.1.
Variant type: single nucleotide variant.
Coding change: c.11822C>G on transcript NM_170606.3 (MANE Select); coding-DNA position 11822, C replaced by G.
Protein change: p.Thr3941Ser; replaces threonine 3941 with serine.
Molecular consequence: missense variant.
Genome position (GRCh38, 1-based): chr7:152,156,048, G>C on the plus strand (C>G on the coding strand, the complement: KMT2C is on the minus strand). VCF-style: chr7-152156048-G-C. GRCh37 (hg19) VCF-style: chr7-151853133-G-C.
Other names: short protein forms T3941S.
Identifiers: ClinVar variation 4728428 (VCV004728428.1).